The following is an entry in ClinVar:

ClinVar aggregate classification (germline): Likely pathogenic (1 of 4 stars; one submission).

Conditions:
Nemaline myopathy 2 (NEM2). Also called: Nemaline myopathy 2, autosomal recessive. Identifiers: MedGen C1850569, MONDO:0009725, OMIM 256030.

Submission:

Labcorp Genetics (formerly Invitae), Labcorp
Classification: Likely pathogenic for Nemaline myopathy 2. Last evaluated: 2021-01-30. Review status: criteria provided, single submitter. Criteria: Invitae Variant Classification Sherloc (09022015). Collection method: clinical testing. Allele origin: germline.
Comment: In summary, the currently available evidence indicates that the variant is pathogenic, but additional data are needed to prove that conclusively. Therefore, this variant has been classified as Likely Pathogenic. Algorithms developed to predict the effect of sequence changes on RNA splicing suggest that this variant may disrupt the consensus splice site, but this prediction has not been confirmed by published transcriptional studies. This variant has not been reported in the literature in individuals with NEB-related conditions. This variant is not present in population databases (ExAC no frequency). This sequence change affects a donor splice site in intron 147 of the NEB gene. It is expected to disrupt RNA splicing. Variants that disrupt the donor or acceptor splice site typically lead to a loss of protein function (PMID: 16199547), and loss-of-function variants in NEB are known to be pathogenic (PMID: 25205138).

Literature cited by the submitters: PubMed 16199547; PubMed 25205138.

NM_001164508.2(NEB):c.21735+1G>C

Genes: NEB (nebulin; minus strand), RIF1 (replication timing regulatory factor 1; plus strand). Cytogenetic location: 2q23.3.
Variant type: single nucleotide variant.
Coding change: c.21735+1G>C on transcript NM_001164508.2 (MANE Select); the canonical splice donor site of the intron after coding-DNA position 21735, G replaced by C.
Molecular consequence: splice donor variant.
Genome position (GRCh38, 1-based): chr2:151,529,209, C>G on the plus strand (G>C on the coding strand, the complement: NEB is on the minus strand). VCF-style: chr2-151529209-C-G. GRCh37 (hg19) VCF-style: chr2-152385723-C-G.
Other names: c.16632+1G>C (NM_004543.5); c.21735+1G>C (NM_001164507.2); c.21840+1G>C (NM_001271208.2).
Identifiers: ClinVar variation 1483933 (VCV001483933.8), dbSNP rs2153475495, ClinGen allele CA348769665.